The following is an entry in ClinVar:

ClinVar aggregate classification (germline): Uncertain significance. Review status: criteria provided, multiple submitters, no conflicts (2 of 4 stars). 2 submissions from 2 submitters: Uncertain significance (2). Last evaluated 2025-08-27.

Conditions:
Cardiovascular phenotype. Identifiers: MedGen CN230736.
RASopathy. Also called: rasopathies; Noonan spectrum disorder. Identifiers: Orphanet 536391, MedGen C5555857, MONDO:0021060.

gnomAD v4.1: 6 of 1,614,024 alleles (0.00037%); highest among the groups gnomAD compares: East Asian, 0.0022%; no homozygotes.

Submissions (2):

Labcorp Genetics (formerly Invitae), Labcorp
Classification: Uncertain significance for RASopathy. Last evaluated: 2025-08-27. Review status: criteria provided, single submitter. Criteria: Invitae Variant Classification Sherloc (09022015). Collection method: clinical testing. Allele origin: germline.
Comment: This sequence change replaces methionine, which is neutral and non-polar, with valine, which is neutral and non-polar, at codon 222 of the CBL protein (p.Met222Val). This variant is not present in population databases (gnomAD no frequency). This variant has not been reported in the literature in individuals affected with CBL-related conditions. ClinVar contains an entry for this variant (Variation ID: 1754675). Invitae Evidence Modeling of protein sequence and biophysical properties (such as structural, functional, and spatial information, amino acid conservation, physicochemical variation, residue mobility, and thermodynamic stability) has been performed for this missense variant. However, the output from this modeling did not meet the statistical confidence thresholds required to predict the impact of this variant on CBL protein function. In summary, the available evidence is currently insufficient to determine the role of this variant in disease. Therefore, it has been classified as a Variant of Uncertain Significance.

Ambry Genetics
Classification: Uncertain significance for Cardiovascular phenotype. Last evaluated: 2022-06-02. Review status: criteria provided, single submitter. Criteria: Ambry Variant Classification Scheme 2023. Collection method: clinical testing. Allele origin: germline.
Comment: The p.M222V variant (also known as c.664A>G), located in coding exon 4 of the CBL gene, results from an A to G substitution at nucleotide position 664. The methionine at codon 222 is replaced by valine, an amino acid with highly similar properties. This amino acid position is conserved. In addition, this alteration is predicted to be deleterious by in silico analysis. Since supporting evidence is limited at this time, the clinical significance of this alteration remains unclear.

NM_005188.4(CBL):c.664A>G (p.Met222Val)

Gene: CBL (Cbl proto-oncogene; plus strand). Cytogenetic location: 11q23.3.
Variant type: single nucleotide variant.
Coding change: c.664A>G on transcript NM_005188.4 (MANE Select); coding-DNA position 664, A replaced by G.
Protein change: p.Met222Val; replaces methionine 222 with valine.
Molecular consequence: missense variant.
Genome position (GRCh38, 1-based): chr11:119,273,941, A>G. VCF-style: chr11-119273941-A-G. GRCh37 (hg19) VCF-style: chr11-119144651-A-G.
Other names: short protein forms M222V.
Identifiers: ClinVar variation 1754675 (VCV001754675.5), dbSNP rs773611782, ClinGen allele CA229659778.